The following is an entry in ClinVar:

ClinVar aggregate classification (germline): Uncertain significance (1 of 4 stars; one submission).

Conditions:
Developmental and epileptic encephalopathy, 69. Also called: EPILEPTIC ENCEPHALOPATHY, EARLY INFANTILE, 69. Identifiers: MedGen C4748988, MONDO:0032657, OMIM 618285.

Submission:

Laboratorio de Genetica e Diagnostico Molecular, Hospital Israelita Albert Einstein
Classification: Uncertain significance for Developmental and epileptic encephalopathy, 69. Last evaluated: 2025-05-08. Review status: criteria provided, single submitter. Criteria: ACMG Guidelines, 2015. Collection method: clinical testing. Allele origin: germline. Affected: yes.
Comment: ACMG classification criteria: PM2 supporting, PP2 supporting, BP4 supporting

NM_001205293.3(CACNA1E):c.2694G>C (p.Glu898Asp)

Gene: CACNA1E (calcium voltage-gated channel subunit alpha1 E; plus strand). Cytogenetic location: 1q25.3.
Variant type: single nucleotide variant.
Coding change: c.2694G>C on transcript NM_001205293.3 (MANE Select); coding-DNA position 2694, G replaced by C.
Protein change: p.Glu898Asp; replaces glutamic acid 898 with aspartic acid.
Molecular consequence: missense variant.
Genome position (GRCh38, 1-based): chr1:181,732,780, G>C. VCF-style: chr1-181732780-G-C. GRCh37 (hg19) VCF-style: chr1-181701916-G-C.
Other names: c.2694G>C, p.Glu898Asp (NM_000721.4); c.2637G>C, p.Glu879Asp (NM_001205294.2); short protein forms E879D, E898D.
Identifiers: ClinVar variation 3902029 (VCV003902029.1).